The following is an entry in ClinVar:

ClinVar aggregate classification (germline): Uncertain significance (1 of 4 stars; one submission).

Conditions:
Kabuki syndrome. Also called: Kabuki make-up syndrome; NIIKAWA-KUROKI SYNDROME. Identifiers: Orphanet 2322, MedGen C0796004, MONDO:0016512.

Allele frequency attached by ClinVar (database versions not stated): gnomAD exomes below 0.00001; TOPMed below 0.00001; gnomAD 0.00001.
gnomAD v4.1: 2 of 1,613,744 alleles (0.00012%); highest among the groups gnomAD compares: African/African-American, 0.0013%; no homozygotes.

Submission:

Labcorp Genetics (formerly Invitae), Labcorp
Classification: Uncertain significance for Kabuki syndrome. Last evaluated: 2022-03-15. Review status: criteria provided, single submitter. Criteria: Invitae Variant Classification Sherloc (09022015). Collection method: clinical testing. Allele origin: germline.
Comment: In summary, the available evidence is currently insufficient to determine the role of this variant in disease. Therefore, it has been classified as a Variant of Uncertain Significance. Advanced modeling of protein sequence and biophysical properties (such as structural, functional, and spatial information, amino acid conservation, physicochemical variation, residue mobility, and thermodynamic stability) performed at Invitae indicates that this missense variant is not expected to disrupt KMT2D protein function. This variant has not been reported in the literature in individuals affected with KMT2D-related conditions. This variant is not present in population databases (gnomAD no frequency). This sequence change replaces glutamic acid, which is acidic and polar, with glycine, which is neutral and non-polar, at codon 1679 of the KMT2D protein (p.Glu1679Gly).

NM_003482.4(KMT2D):c.5036A>G (p.Glu1679Gly)

Gene: KMT2D (lysine methyltransferase 2D; minus strand). Cytogenetic location: 12q13.12.
Variant type: single nucleotide variant.
Coding change: c.5036A>G on transcript NM_003482.4 (MANE Select); coding-DNA position 5036, A replaced by G.
Protein change: p.Glu1679Gly; replaces glutamic acid 1679 with glycine.
Molecular consequence: missense variant.
Genome position (GRCh38, 1-based): chr12:49,044,450, T>C on the plus strand (A>G on the coding strand, the complement: KMT2D is on the minus strand). VCF-style: chr12-49044450-T-C. GRCh37 (hg19) VCF-style: chr12-49438233-T-C.
Other names: short protein forms E1679G.
Identifiers: ClinVar variation 2112659 (VCV002112659.4), dbSNP rs1325236704, ClinGen allele CA384638038.